The following is an entry in ClinVar:

NM_001347721.2(DYRK1A):c.208-34A>G

Gene: DYRK1A (dual specificity tyrosine phosphorylation regulated kinase 1A; plus strand). Cytogenetic location: 21q22.13.
Variant type: single nucleotide variant.
Coding change: c.208-34A>G on transcript NM_001347721.2 (MANE Select); 34 bases into the intron before coding-DNA position 208, A replaced by G.
Molecular consequence: intron variant.
Genome position (GRCh38, 1-based): chr21:37,478,174, A>G. VCF-style: chr21-37478174-A-G. GRCh37 (hg19) VCF-style: chr21-38850476-A-G.
Other names: c.208-7A>G (NM_001396.4, NM_001396.5, NM_101395.2 and 1 more transcripts); c.208-34A>G (NM_001347722.2, NM_130436.2); c.121-34A>G (NM_001347723.2).
Identifiers: ClinVar variation 514757 (VCV000514757.18), dbSNP rs201001986, ClinGen allele CA10023750.

ClinVar aggregate classification (germline): Benign/Likely benign. Review status: criteria provided, multiple submitters, no conflicts (2 of 4 stars). 5 submissions from 5 submitters: Benign (2); Likely benign (2). 1 of the submissions does not count toward it. Last evaluated 2026-01-01.

Conditions:
DYRK1A-related disorder.
DYRK1A-related intellectual disability syndrome (MRD7). Also called: DYRK1A Syndrome; Intellectual developmental disorder, autosomal dominant 7. Identifiers: Orphanet 464306, MedGen C5568143, MONDO:0013578, OMIM 614104.

Allele frequency attached by ClinVar (database versions not stated): TOPMed 0.00002; 1000 Genomes Project 30x 0.00031; 1000 Genomes Project 0.00040.
gnomAD v4.1: 197 of 1,613,596 alleles (0.012%); highest among the groups gnomAD compares: South Asian, 0.19%; no homozygotes.

Submissions (5):

CeGaT Center for Human Genetics Tuebingen
Classification: Benign. Last evaluated: 2026-01-01. Review status: criteria provided, single submitter. Criteria: CeGaT Center For Human Genetics Tuebingen Variant Classification Criteria Version 2. Collection method: clinical testing. Allele origin: germline. Affected: yes. Observed: 1 variant allele.
Comment: DYRK1A: BP4, BS1, BS2

Labcorp Genetics (formerly Invitae), Labcorp
Classification: Benign for DYRK1A-related intellectual disability syndrome. Last evaluated: 2025-07-27. Review status: criteria provided, single submitter. Criteria: Invitae Variant Classification Sherloc (09022015). Collection method: clinical testing. Allele origin: germline.

Blueprint Genetics
Classification: Likely benign. Last evaluated: 2024-10-15. Review status: criteria provided, single submitter. Criteria: ACMG Guidelines, 2015. Collection method: clinical testing. Allele origin: germline.

GeneDx
Classification: Likely benign. Last evaluated: 2018-01-10. Review status: criteria provided, single submitter. Criteria: GeneDx Variant Classification (06012015). Collection method: clinical testing. Allele origin: germline. Affected: yes.
Comment: This variant is considered likely benign or benign based on one or more of the following criteria: it is a conservative change, it occurs at a poorly conserved position in the protein, it is predicted to be benign by multiple in silico algorithms, and/or has population frequency not consistent with disease.

PreventionGenetics, part of Exact Sciences
Classification: Likely benign for DYRK1A-related condition. Last evaluated: 2024-05-05. Review status: no assertion criteria provided. Collection method: clinical testing. Allele origin: germline. Not counted in ClinVar's aggregate classification.
Comment: This variant is classified as likely benign based on ACMG/AMP sequence variant interpretation guidelines (Richards et al. 2015 PMID: 25741868, with internal and published modifications).